The following is an entry in ClinVar:

NM_001164508.2(NEB):c.20401G>A (p.Gly6801Arg)

Gene: NEB (nebulin; minus strand). Cytogenetic location: 2q23.3.
Variant type: single nucleotide variant.
Coding change: c.20401G>A on transcript NM_001164508.2 (MANE Select); coding-DNA position 20401, G replaced by A.
Protein change: p.Gly6801Arg; replaces glycine 6801 with arginine.
Molecular consequence: missense variant.
Genome position (GRCh38, 1-based): chr2:151,546,410, C>T on the plus strand (G>A on the coding strand, the complement: NEB is on the minus strand). VCF-style: chr2-151546410-C-T. GRCh37 (hg19) VCF-style: chr2-152402924-C-T.
Other names: c.20401G>A, p.Gly6801Arg (NM_001164507.2, NM_001271208.2); c.15298G>A, p.Gly5100Arg (NM_004543.5); short protein forms G5100R, G6801R.
Identifiers: ClinVar variation 2085108 (VCV002085108.4), dbSNP rs1405498595, ClinGen allele CA348781091.

ClinVar aggregate classification (germline): Uncertain significance. Review status: criteria provided, multiple submitters, no conflicts (2 of 4 stars). 2 submissions from 2 submitters: Uncertain significance (2). Last evaluated 2022-07-19.

Conditions:
Nemaline myopathy 2 (NEM2). Also called: Nemaline myopathy 2, autosomal recessive. Identifiers: MedGen C1850569, MONDO:0009725, OMIM 256030.

Allele frequency attached by ClinVar (database versions not stated): gnomAD 0.00001.
gnomAD v4.1: 3 of 1,613,436 alleles (0.00019%); highest among the groups gnomAD compares: Admixed American, 0.005%; no homozygotes.

Submissions (2):

Labcorp Genetics (formerly Invitae), Labcorp
Classification: Uncertain significance for Nemaline myopathy 2. Last evaluated: 2022-07-19. Review status: criteria provided, single submitter. Criteria: Invitae Variant Classification Sherloc (09022015). Collection method: clinical testing. Allele origin: germline.
Comment: This sequence change replaces glycine, which is neutral and non-polar, with arginine, which is basic and polar, at codon 6801 of the NEB protein (p.Gly6801Arg). This variant is present in population databases (no rsID available, gnomAD 0.006%). This variant has not been reported in the literature in individuals affected with NEB-related conditions. Algorithms developed to predict the effect of missense changes on protein structure and function are either unavailable or do not agree on the potential impact of this missense change (SIFT: "Deleterious"; PolyPhen-2: "Not Available"; Align-GVGD: "Class C0"). In summary, the available evidence is currently insufficient to determine the role of this variant in disease. Therefore, it has been classified as a Variant of Uncertain Significance.

Revvity Omics, Revvity
Classification: Uncertain significance. Last evaluated: 2019-08-27. Review status: criteria provided, single submitter. Criteria: ACMG Guidelines, 2015. Collection method: clinical testing. Allele origin: germline.